The following is an entry in ClinVar:

NM_002691.4(POLD1):c.1646G>A (p.Arg549His)

Gene: POLD1 (DNA polymerase delta 1, catalytic subunit; plus strand). Cytogenetic location: 19q13.33.
Variant type: single nucleotide variant.
Coding change: c.1646G>A on transcript NM_002691.4 (MANE Select); coding-DNA position 1646, G replaced by A.
Protein change: p.Arg549His; replaces arginine 549 with histidine.
Molecular consequence: missense variant. On other transcripts: non-coding transcript variant (1).
Genome position (GRCh38, 1-based): chr19:50,407,134, G>A. VCF-style: chr19-50407134-G-A. GRCh37 (hg19) VCF-style: chr19-50910391-G-A.
Other names: c.1646G>A, p.Arg549His (NM_001256849.1, NM_001308632.1); c.1646G>A (NM_002691.2); short protein forms R549H.
Identifiers: ClinVar variation 239247 (VCV000239247.22), dbSNP rs201038430, ClinGen allele CA9596195.

ClinVar aggregate classification (germline): Uncertain significance. Review status: criteria provided, multiple submitters, no conflicts (2 of 4 stars). 4 submissions from 4 submitters: Uncertain significance (4). Last evaluated 2026-01-05.

Conditions:
POLD1-related disorder. Also called: POLD1-related condition; POLD1-related disorders.
POLD1-related polyposis and colorectal cancer syndrome (CRCS10). Also called: COLORECTAL CANCER, SUSCEPTIBILITY TO, ON CHROMOSOME 19q; Colorectal cancer 10; Colorectal cancer, susceptibility to, 10. Identifiers: Orphanet 220460, MedGen C2675481, MONDO:0012953, OMIM 612591.
Hereditary cancer-predisposing syndrome. Also called: Hereditary Cancer Syndrome; Neoplastic Syndromes, Hereditary; Hereditary neoplastic syndrome; Tumor predisposition. Identifiers: Orphanet 140162, MedGen C0027672, MeSH D009386, MONDO:0015356.

Allele frequency attached by ClinVar (database versions not stated): ExAC 0.00001; gnomAD 0.00001; gnomAD exomes 0.00001 and 0.00002; TOPMed 0.00001.
gnomAD v4.1: 13 of 1,612,794 alleles (0.00081%); highest among the groups gnomAD compares: Admixed American, 0.0033%; no homozygotes.

Submissions (4):

Labcorp Genetics (formerly Invitae), Labcorp
Classification: Uncertain significance for POLD1-related polyposis and colorectal cancer syndrome. Last evaluated: 2026-01-05. Review status: criteria provided, single submitter. Criteria: Invitae Variant Classification Sherloc (09022015). Collection method: clinical testing. Allele origin: germline.
Comment: This sequence change replaces arginine, which is basic and polar, with histidine, which is basic and polar, at codon 549 of the POLD1 protein (p.Arg549His). This variant is present in population databases (rs201038430, gnomAD 0.006%). This variant has not been reported in the literature in individuals affected with POLD1-related conditions. ClinVar contains an entry for this variant (Variation ID: 239247). Invitae Evidence Modeling of protein sequence and biophysical properties (such as structural, functional, and spatial information, amino acid conservation, physicochemical variation, residue mobility, and thermodynamic stability) indicates that this missense variant is expected to disrupt POLD1 protein function with a positive predictive value of 80%. In summary, the available evidence is currently insufficient to determine the role of this variant in disease. Therefore, it has been classified as a Variant of Uncertain Significance.

Ambry Genetics
Classification: Uncertain significance for Hereditary cancer-predisposing syndrome. Last evaluated: 2024-10-17. Review status: criteria provided, single submitter. Criteria: Ambry Variant Classification Scheme 2023. Collection method: clinical testing. Allele origin: germline.
Comment: The p.R549H variant (also known as c.1646G>A), located in coding exon 12 of the POLD1 gene, results from a G to A substitution at nucleotide position 1646. The arginine at codon 549 is replaced by histidine, an amino acid with highly similar properties. This amino acid position is highly conserved in available vertebrate species. In addition, the in silico prediction for this alteration is inconclusive. Based on the available evidence, the clinical significance of this variant remains unclear.

PreventionGenetics, part of Exact Sciences
Classification: Uncertain significance for POLD1-related condition. Last evaluated: 2023-01-05. Review status: criteria provided, single submitter. Criteria: ACMG Guidelines, 2015. Collection method: clinical testing. Allele origin: germline.
Comment: The POLD1 c.1646G>A variant is predicted to result in the amino acid substitution p.Arg549His. This variant has been reported in one individual with colorectal cancer (Table S3, Buchanan et al. 2018. PubMed ID: 29120461) and in at least one individual with dyslipidemia (Dron et al. 2020. PubMed ID: 32041611). This variant is reported in 0.010% of alleles in individuals of East Asian descent in gnomAD. This variant has been classified as a variant of uncertain significance in Clinvar by two different submitters (Clinvar ID: 239247). This variant is not located in the exonuclease domain of the POLD1 protein. At this time, the clinical significance of this variant is uncertain due to the absence of conclusive functional and genetic evidence.

GeneDx
Classification: Uncertain significance. Last evaluated: 2022-10-07. Review status: criteria provided, single submitter. Criteria: GeneDx Variant Classification Process June 2021. Collection method: clinical testing. Allele origin: germline. Affected: yes.
Comment: In silico analysis supports that this missense variant has a deleterious effect on protein structure/function; Observed in an individual with colorectal cancer (Buchanan et al., 2017); This variant is associated with the following publications: (PMID: 29120461, 35620275, 32041611)